The following is an entry in ClinVar:

NM_013275.6(ANKRD11):c.3936dup (p.Gln1313fs)

Gene: ANKRD11 (ankyrin repeat domain 11; minus strand). Cytogenetic location: 16q24.3.
Variant type: Duplication.
Coding change: c.3936dup on transcript NM_013275.6 (MANE Select); coding-DNA position 3936, one base duplicated (G; older notation c.3936dupG).
Protein change: p.Gln1313fs; shifts the reading frame from glutamine 1313.
Molecular consequence: frameshift variant.
Genome position (GRCh38, 1-based): chr16:89,282,606, C duplicated on the plus strand (G on the coding strand, the reverse complement: ANKRD11 is on the minus strand); the first of 3 consecutive C bases (chr16:89,282,606-89,282,608); duplicating any one gives the same sequence. VCF-style (leftmost placement, unchanged base first): chr16-89282605-G-GC. GRCh37 (hg19) VCF-style: chr16-89349013-G-GC.
Other names: c.3936dup, p.Gln1313fs (NM_001256182.2, NM_001256183.2); short protein forms Q1313fs.
Identifiers: ClinVar variation 1993616 (VCV001993616.4), dbSNP rs2544234953, ClinGen allele CA2580092272.
Genomic context (GRCh38, chr16:89,282,605, plus strand): 5'-TGTCGTCTCCAGGTGGCTCCGTGAAAGAGACCTCCAGGAAGGCAGTCAGCCCCGGCTCCT[G>GC]CCCTCGGTCCGTGAAGCTGTCAGAGGAGACCTCGCTGATTTTATCGTTGGAGTCTTCTCT-3'

ClinVar aggregate classification (germline): Pathogenic (1 of 4 stars; one submission).

Conditions:
KBG syndrome (KBGS). Also called: ANKRD11-Related KBG Syndrome. Identifiers: Orphanet 2332, MedGen C0220687, MONDO:0007846, OMIM 148050.

Submission:

Labcorp Genetics (formerly Invitae), Labcorp
Classification: Pathogenic for KBG syndrome. Last evaluated: 2022-05-12. Review status: criteria provided, single submitter. Criteria: Invitae Variant Classification Sherloc (09022015). Collection method: clinical testing. Allele origin: germline.
Comment: For these reasons, this variant has been classified as Pathogenic. This variant has not been reported in the literature in individuals affected with ANKRD11-related conditions. This variant is not present in population databases (gnomAD no frequency). This sequence change creates a premature translational stop signal (p.Gln1313Alafs*30) in the ANKRD11 gene. It is expected to result in an absent or disrupted protein product. Loss-of-function variants in ANKRD11 are known to be pathogenic (PMID: 21782149, 25125236, 25413698, 25652421).

Literature cited by the submitters: PubMed 21782149; PubMed 25125236; PubMed 25413698; PubMed 25652421.